The following is an entry in ClinVar:

ClinVar aggregate classification (germline): Uncertain significance. Review status: criteria provided, multiple submitters, no conflicts (2 of 4 stars). 2 submissions from 2 submitters: Uncertain significance (2). Last evaluated 2024-04-01.

Allele frequency attached by ClinVar (database versions not stated): gnomAD 0.00001; gnomAD exomes 0.00002 and 0.00004; TOPMed 0.00003; ExAC 0.00005; ESP Exome Variant Server 0.00015.
gnomAD v4.1: 37 of 1,613,458 alleles (0.0023%); highest among the groups gnomAD compares: Non-Finnish European, 0.0031%; no homozygotes.

Submissions (2):

Labcorp Genetics (formerly Invitae), Labcorp
Classification: Uncertain significance. Last evaluated: 2024-04-01. Review status: criteria provided, single submitter. Criteria: Invitae Variant Classification Sherloc (09022015). Collection method: clinical testing. Allele origin: germline.
Comment: This sequence change replaces serine, which is neutral and polar, with leucine, which is neutral and non-polar, at codon 469 of the CCDC50 protein (p.Ser469Leu). This variant is present in population databases (rs369230750, gnomAD 0.008%). This variant has not been reported in the literature in individuals affected with CCDC50-related conditions. ClinVar contains an entry for this variant (Variation ID: 1473219). An algorithm developed to predict the effect of missense changes on protein structure and function (PolyPhen-2) suggests that this variant is likely to be tolerated. In summary, the available evidence is currently insufficient to determine the role of this variant in disease. Therefore, it has been classified as a Variant of Uncertain Significance.

Ambry Genetics
Classification: Uncertain significance. Last evaluated: 2022-08-17. Review status: criteria provided, single submitter. Criteria: Ambry Variant Classification Scheme 2023. Collection method: clinical testing. Allele origin: germline.

NM_178335.3(CCDC50):c.1406C>T (p.Ser469Leu)

Gene: CCDC50 (coiled-coil domain containing 50; plus strand). Cytogenetic location: 3q28.
Variant type: single nucleotide variant.
Coding change: c.1406C>T on transcript NM_178335.3 (MANE Select); coding-DNA position 1406, C replaced by T.
Protein change: p.Ser469Leu; replaces serine 469 with leucine.
Molecular consequence: missense variant.
Genome position (GRCh38, 1-based): chr3:191,389,579, C>T. VCF-style: chr3-191389579-C-T. GRCh37 (hg19) VCF-style: chr3-191107368-C-T.
Other names: c.878C>T, p.Ser293Leu (NM_174908.4); c.1406C>T (NM_178335.2); short protein forms S469L, S293L.
Identifiers: ClinVar variation 1473219 (VCV001473219.8), dbSNP rs369230750, ClinGen allele CA2755557.